The following is an entry in ClinVar:

ClinVar aggregate classification (germline): Uncertain significance. Review status: criteria provided, multiple submitters, no conflicts (2 of 4 stars). 3 submissions from 3 submitters: Uncertain significance (3). Last evaluated 2026-02-17.

Conditions:
Inborn genetic diseases. Identifiers: MedGen C0950123, MeSH D030342.

Allele frequency attached by ClinVar (database versions not stated): gnomAD 0.00003; ExAC 0.00007; TOPMed 0.00005.
gnomAD v4.1: 63 of 1,614,010 alleles (0.0039%); highest among the groups gnomAD compares: East Asian, 0.02%; 1 homozygote.

Submissions (3):

GeneDx
Classification: Uncertain significance. Last evaluated: 2026-02-17. Review status: criteria provided, single submitter. Criteria: GeneDx Variant Classification Process June 2021. Collection method: clinical testing. Allele origin: germline.
Comment: In silico analysis suggests that this missense variant does not alter protein structure/function; Has not been previously published as pathogenic or benign to our knowledge

Ambry Genetics
Classification: Uncertain significance for Inborn genetic diseases. Last evaluated: 2023-09-13. Review status: criteria provided, single submitter. Criteria: Ambry Variant Classification Scheme 2023. Collection method: clinical testing. Allele origin: germline.

Clinical Genetics Laboratory, Skane University Hospital Lund
Classification: Uncertain significance. Last evaluated: 2023-01-04. Review status: criteria provided, single submitter. Criteria: ACMG Guidelines, 2015. Collection method: clinical testing. Allele origin: germline. Affected: yes.

NM_001031679.3(MSRB3):c.431G>A (p.Arg144His)

Gene: MSRB3 (methionine sulfoxide reductase B3; plus strand). Cytogenetic location: 12q14.3.
Variant type: single nucleotide variant.
Coding change: c.431G>A on transcript NM_001031679.3 (MANE Select); coding-DNA position 431, G replaced by A.
Protein change: p.Arg144His; replaces arginine 144 with histidine.
Molecular consequence: missense variant.
Genome position (GRCh38, 1-based): chr12:65,463,195, G>A. VCF-style: chr12-65463195-G-A. GRCh37 (hg19) VCF-style: chr12-65856975-G-A.
Other names: c.431G>A, p.Arg144His (NM_001193460.2, NM_001193461.2); c.452G>A, p.Arg151His (NM_198080.4); short protein forms R144H, R151H.
Identifiers: ClinVar variation 2597913 (VCV002597913.4), dbSNP rs777352509, ClinGen allele CA6671526.
Genomic context (GRCh38, chr12:65,463,195, plus strand): 5'-GTTTTGTTCTTCTCTTTCAGTGTGGTGCTCACCTTGGGCACATTTTTGATGATGGGCCTC[G>A]TCCAACTGGGAAAAGATACTGCATAAATTCGGCTGCCTTGTCTTTTACACCTGCGGATAG-3'
Protein context (NP_001026849.1, residues 134-154): HLGHIFDDGP[Arg144His]PTGKRYCINS